The following is an entry in ClinVar:

NM_005222.4(DLX6):c.228GGC[7] (p.Ala83_Gly84insAlaAla)

Genes: DLX6 (distal-less homeobox 6; plus strand), DLX6-AS1 (DLX6 antisense RNA 1; minus strand). Cytogenetic location: 7q21.3.
Variant type: Microsatellite.
Coding change: c.228GGC[7] on transcript NM_005222.4 (MANE Select); seven copies in a row of the 3-base unit GGC starting at c.228; the reference has five copies in a row; two copies, 6 bases duplicated.
Protein change: p.Ala83_Gly84insAlaAla.
Molecular consequence: inframe insertion.
Genome position (GRCh38, 1-based): chr7:97,006,214-97,006,219, GGCGGC duplicated; duplicating any 6 consecutive bases within chr7:97,006,204-97,006,219 gives the same sequence; the position shown is the placement nearest the transcript's 3' end. VCF-style (leftmost placement, unchanged base first): chr7-97006203-T-TCGGCGG. GRCh37 (hg19) VCF-style: chr7-96635515-T-TCGGCGG.
Identifiers: ClinVar variation 2056334 (VCV002056334.4), dbSNP rs753286015, ClinGen allele CA4353746.
Genomic context (GRCh38, chr7:97,006,203, plus strand): 5'-CACTCGCAGCAGAGCTCCCCGGCCATGGCAGGCGCGCACTACCCTCTGCACTGCCTGCAC[T>TCGGCGG]CGGCGGCGGCGGCGGCAGCGGCCGGCTCGCACCACCACCACCACCACCAGCACCACCACC-3'

ClinVar aggregate classification (germline): Uncertain significance (1 of 4 stars; one submission).

Submission:

Labcorp Genetics (formerly Invitae), Labcorp
Classification: Uncertain significance. Last evaluated: 2023-11-13. Review status: criteria provided, single submitter. Criteria: Invitae Variant Classification Sherloc (09022015). Collection method: clinical testing. Allele origin: germline.
Comment: This variant, c.237_242dup, results in the insertion of 2 amino acid(s) of the DLX6 protein (p.Ala82_Ala83dup), but otherwise preserves the integrity of the reading frame. This variant is present in population databases (rs777761009, gnomAD 0.03%). This variant has not been reported in the literature in individuals affected with DLX6-related conditions. Experimental studies and prediction algorithms are not available or were not evaluated, and the functional significance of this variant is currently unknown. In summary, the available evidence is currently insufficient to determine the role of this variant in disease. Therefore, it has been classified as a Variant of Uncertain Significance.